The following is an entry in ClinVar:

NM_001127208.3(TET2):c.1209A>T (p.Gln403His)

Genes: TET2 (tet methylcytosine dioxygenase 2; plus strand), TET2-AS1 (TET2 antisense RNA 1; minus strand). Cytogenetic location: 4q24.
Variant type: single nucleotide variant.
Coding change: c.1209A>T on transcript NM_001127208.3 (MANE Select); coding-DNA position 1209, A replaced by T.
Protein change: p.Gln403His; replaces glutamine 403 with histidine.
Molecular consequence: missense variant.
Genome position (GRCh38, 1-based): chr4:105,235,151, A>T. VCF-style: chr4-105235151-A-T. GRCh37 (hg19) VCF-style: chr4-106156308-A-T.
Other names: c.1209A>T, p.Gln403His (NM_017628.4); short protein forms Q403H.
Identifiers: ClinVar variation 4594226 (VCV004594226.1).
Genomic context (GRCh38, chr4:105,235,151, plus strand): 5'-AAGCTCAGTGTTCACTAAGGATTCCTTTTCTGCCACTACCACACCACCACCACCATCACA[A>T]TTGCTTCTTTCTCCCCCTCCTCCTCTTCCACAGGTTCCTCAGCTTCCTTCAGAAGGAAAA-3'
Protein context (NP_001120680.1, residues 393-413): SATTTPPPPS[Gln403His]LLLSPPPPLP

ClinVar aggregate classification (germline): Uncertain significance (1 of 4 stars; one submission).

Submission:

Ambry Genetics
Classification: Uncertain significance. Last evaluated: 2025-11-29. Review status: criteria provided, single submitter. Criteria: Ambry Variant Classification Scheme 2023. Collection method: clinical testing. Allele origin: germline.
Comment: The p.Q403H variant (also known as c.1209A>T), located in coding exon 1 of the TET2 gene, results from an A to T substitution at nucleotide position 1209. The glutamine at codon 403 is replaced by histidine, an amino acid with highly similar properties. This amino acid position is conserved. In addition, this alteration is predicted to be tolerated by in silico analysis. Based on the available evidence, the clinical significance of this variant remains unclear.